The following is an entry in ClinVar:

NM_003701.4(TNFSF11):c.924T>C (p.Phe308=)

Gene: TNFSF11 (TNF superfamily member 11; plus strand). Cytogenetic location: 13q14.11.
Variant type: single nucleotide variant.
Coding change: c.924T>C on transcript NM_003701.4 (MANE Select); coding-DNA position 924, T replaced by C.
Protein change: p.Phe308=; no amino-acid change (phenylalanine 308 retained).
Molecular consequence: synonymous variant.
Genome position (GRCh38, 1-based): chr13:42,606,888, T>C. VCF-style: chr13-42606888-T-C. GRCh37 (hg19) VCF-style: chr13-43181024-T-C.
Other names: p.Phe308=; c.705T>C, p.Phe235= (NM_033012.4).
Identifiers: ClinVar variation 312237 (VCV000312237.19), dbSNP rs9562415, ClinGen allele CA6967321.

ClinVar aggregate classification (germline): Benign. Review status: criteria provided, multiple submitters, no conflicts (2 of 4 stars). 5 submissions from 5 submitters: Benign (5). Last evaluated 2026-02-04.

Conditions:
Autosomal recessive osteopetrosis 2. Also called: OSTEOPETROSIS, MILD AUTOSOMAL RECESSIVE FORM. Identifiers: Orphanet 667, MedGen C1850126, MONDO:0009816, OMIM 259710.
Disorder of bone. Also called: Bone disorder; Rare bone disease related to a common gene or pathway defect; Bone disease. Identifiers: Orphanet 364803, MedGen C0005940, MONDO:0005381.

Allele frequency attached by ClinVar (database versions not stated): gnomAD exomes 0.01714 and 0.01942; ExAC 0.02182; gnomAD 0.03075 and 0.03107; TOPMed 0.03268; ESP Exome Variant Server 0.03314; 1000 Genomes Project 0.04193; 1000 Genomes Project 30x 0.04325.
gnomAD v4.1: 29,846 of 1,614,186 alleles (1.8%); highest among the groups gnomAD compares: African/African-American, 7.4%; 514 homozygotes.

Submissions (5):

Labcorp Genetics (formerly Invitae), Labcorp
Classification: Benign. Last evaluated: 2026-02-04. Review status: criteria provided, single submitter. Criteria: Invitae Variant Classification Sherloc (09022015). Collection method: clinical testing. Allele origin: germline.

Mayo Clinic Laboratories, Mayo Clinic
Classification: Benign. Last evaluated: 2025-08-09. Review status: criteria provided, single submitter. Criteria: ACMG Guidelines, 2015. Collection method: clinical testing. Allele origin: germline. Observed: 4 variant alleles.

Illumina Laboratory Services, Illumina
Classification: Benign for Autosomal recessive osteopetrosis 2. Last evaluated: 2018-01-13. Review status: criteria provided, single submitter. Criteria: ICSL Variant Classification Criteria 13 December 2019. Collection method: clinical testing. Allele origin: germline.
Comment: This variant was observed in the ICSL laboratory as part of a predisposition screen in an ostensibly healthy population. It had not been previously curated by ICSL or reported in the Human Gene Mutation Database (HGMD: prior to June 1st, 2018), and was therefore a candidate for classification through an automated scoring system. Utilizing variant allele frequency, disease prevalence and penetrance estimates, and inheritance mode, an automated score was calculated to assess if this variant is too frequent to cause the disease. Based on the score and internal cut-off values, a variant classified as benign is not then subjected to further curation. The score for this variant resulted in a classification of benign for this disease.

Genome Diagnostics Laboratory, The Hospital for Sick Children
Classification: Benign for Disorder of bone. Last evaluated: 2016-08-25. Review status: criteria provided, single submitter. Criteria: ACMG Guidelines, 2015. Collection method: clinical testing. Allele origin: germline. Affected: yes.
Comment: This synonymous variant is classified as Benign (ACMG criteria - BA1)

Breakthrough Genomics
Classification: Benign. Review status: criteria provided, single submitter. Criteria: ACMG Guidelines, 2015. Collection method: not provided. Allele origin: germline. Inheritance: Autosomal recessive inheritance. Affected: yes.